The following is an entry in ClinVar:

NM_001394062.1(MACF1):c.3827G>A (p.Arg1276Gln)

Gene: MACF1 (microtubule actin crosslinking factor 1; plus strand). Cytogenetic location: 1p34.3.
Variant type: single nucleotide variant.
Coding change: c.3827G>A on transcript NM_001394062.1 (MANE Select); coding-DNA position 3827, G replaced by A.
Protein change: p.Arg1276Gln; replaces arginine 1276 with glutamine.
Molecular consequence: missense variant.
Genome position (GRCh38, 1-based): chr1:39,318,497, G>A. VCF-style: chr1-39318497-G-A. GRCh37 (hg19) VCF-style: chr1-39784169-G-A.
Other names: c.3842G>A, p.Arg1281Gln (NM_012090.5); short protein forms R1281Q, R1276Q.
Identifiers: ClinVar variation 599522 (VCV000599522.3), dbSNP rs559634261, ClinGen allele CA780092.
Genomic context (GRCh38, chr1:39,318,497, plus strand): 5'-CCCTTTGTTCTTCTAGCCAATCTGAGCTAGAAAGTATCCAGGAAGTTCTGGGAGATTACC[G>A]AGCCTGCCATGGAACTCTCATCAAGTGGATTGAGGAAACCACTGCCCAGCAGGAAATGAT-3'
Protein context (NP_001380991.1, residues 1266-1286): ESIQEVLGDY[Arg1276Gln]ACHGTLIKWI

ClinVar aggregate classification (germline): Uncertain significance. Review status: criteria provided, single submitter (1 of 4 stars). 2 submissions from 2 submitters: Uncertain significance (1). 1 of the submissions does not count toward it. Last evaluated 2025-07-14.

Conditions:
Short stature. Identifiers: MedGen C0349588, HP:0004322.

Allele frequency attached by ClinVar (database versions not stated): TOPMed 0.00002; ExAC 0.00003; 1000 Genomes Project 30x 0.00016; gnomAD exomes 0.00002; 1000 Genomes Project 0.00020.
gnomAD v4.1: 25 of 1,613,932 alleles (0.0015%); highest among the groups gnomAD compares: East Asian, 0.0022%; no homozygotes.

Submissions (2):

Labcorp Genetics (formerly Invitae), Labcorp
Classification: Uncertain significance. Last evaluated: 2025-07-14. Review status: criteria provided, single submitter. Criteria: Invitae Variant Classification Sherloc (09022015). Collection method: clinical testing. Allele origin: germline.
Comment: This sequence change replaces arginine, which is basic and polar, with glutamine, which is neutral and polar, at codon 1281 of the MACF1 protein (p.Arg1281Gln). This variant is present in population databases (rs559634261, gnomAD 0.006%). This variant has not been reported in the literature in individuals affected with MACF1-related conditions. ClinVar contains an entry for this variant (Variation ID: 599522). An algorithm developed to predict the effect of missense changes on protein structure and function (PolyPhen-2) suggests that this variant is likely to be disruptive. In summary, the available evidence is currently insufficient to determine the role of this variant in disease. Therefore, it has been classified as a Variant of Uncertain Significance.

Institute of Human Genetics, FAU Erlangen, Friedrich-Alexander-Universität Erlangen-Nürnberg
Classification: Likely pathogenic for Short stature. Last evaluated: 2001-11-18. Review status: no assertion criteria provided. Collection method: case-control. Allele origin: unknown. Affected: yes. Not counted in ClinVar's aggregate classification.